The following is an entry in ClinVar:

NM_152564.5(VPS13B):c.8728G>A (p.Glu2910Lys)

Gene: VPS13B (vacuolar protein sorting 13 homolog B; plus strand). Cytogenetic location: 8q22.2.
Variant type: single nucleotide variant.
Coding change: c.8728G>A on transcript NM_152564.5 (MANE Select); coding-DNA position 8728, G replaced by A.
Protein change: p.Glu2910Lys; replaces glutamic acid 2910 with lysine.
Molecular consequence: missense variant.
Genome position (GRCh38, 1-based): chr8:99,819,518, G>A. VCF-style: chr8-99819518-G-A. GRCh37 (hg19) VCF-style: chr8-100831746-G-A.
Other names: c.8803G>A (NM_017890.3); c.8803G>A, p.Glu2935Lys (NM_017890.5); c.8728G>A (NM_152564.4); short protein forms E2910K, E2935K.
Identifiers: ClinVar variation 1338320 (VCV001338320.11), dbSNP rs143787982, ClinGen allele CA4824532.
Genomic context (GRCh38, chr8:99,819,518, plus strand): 5'-CTCATTAAGCAAATAGCCACTAAGGTACACCCTGGAGGCACAGTTAATCAGATCCTTGAC[G>A]AATTCTATGGGCCAGAAAAGTCGCTTCAACCCATATGGCCCTATAATAAGAAGGATTCTG-3'
Protein context (NP_689777.3, residues 2900-2920): PGGTVNQILD[Glu2910Lys]FYGPEKSLQP

ClinVar aggregate classification (germline): Uncertain significance. Review status: criteria provided, multiple submitters, no conflicts (2 of 4 stars). 5 submissions from 5 submitters: Uncertain significance (4). 1 of the submissions does not count toward it. Last evaluated 2025-08-05.

Conditions:
VPS13B-related disorder. Also called: VPS13B-related condition.
Cohen syndrome (COH1). Also called: Cutis verticis gyrata, retinitis pigmentosa, and sensorineural deafness; PEPPER SYNDROME. Identifiers: Orphanet 193, MedGen C0265223, MONDO:0008999, OMIM 216550.
Inborn genetic diseases. Identifiers: MedGen C0950123, MeSH D030342.

Allele frequency attached by ClinVar (database versions not stated): ExAC 0.00002; gnomAD exomes 0.00004; ESP Exome Variant Server 0.00008; gnomAD 0.00011 and 0.00012; TOPMed 0.00013.
gnomAD v4.1: 35 of 1,613,682 alleles (0.0022%); highest among the groups gnomAD compares: African/African-American, 0.024%; no homozygotes.

Submissions (5):

Ambry Genetics
Classification: Uncertain significance for Inborn genetic diseases. Last evaluated: 2025-08-05. Review status: criteria provided, single submitter. Criteria: Ambry Variant Classification Scheme 2023. Collection method: clinical testing. Allele origin: germline.

Blueprint Genetics
Classification: Uncertain significance. Last evaluated: 2022-09-28. Review status: criteria provided, single submitter. Criteria: ACMG Guidelines, 2015. Collection method: clinical testing. Allele origin: germline.

Labcorp Genetics (formerly Invitae), Labcorp
Classification: Uncertain significance for Cohen syndrome. Last evaluated: 2022-08-19. Review status: criteria provided, single submitter. Criteria: Invitae Variant Classification Sherloc (09022015). Collection method: clinical testing. Allele origin: germline.
Comment: This sequence change replaces glutamic acid, which is acidic and polar, with lysine, which is basic and polar, at codon 2935 of the VPS13B protein (p.Glu2935Lys). This variant is present in population databases (rs143787982, gnomAD 0.03%). This variant has not been reported in the literature in individuals affected with VPS13B-related conditions. ClinVar contains an entry for this variant (Variation ID: 1338320). Algorithms developed to predict the effect of missense changes on protein structure and function are either unavailable or do not agree on the potential impact of this missense change (SIFT: "Not Available"; PolyPhen-2: "Benign"; Align-GVGD: "Not Available"). In summary, the available evidence is currently insufficient to determine the role of this variant in disease. Therefore, it has been classified as a Variant of Uncertain Significance.

Genetic Services Laboratory, University of Chicago
Classification: Uncertain significance. Last evaluated: 2017-10-24. Review status: criteria provided, single submitter. Criteria: ACMG Guidelines, 2015. Collection method: clinical testing. Allele origin: germline. Affected: no.

PreventionGenetics, part of Exact Sciences
Classification: Uncertain significance for VPS13B-related condition. Last evaluated: 2024-08-07. Review status: no assertion criteria provided. Collection method: clinical testing. Allele origin: germline. Not counted in ClinVar's aggregate classification.
Comment: The VPS13B c.8728G>A variant is predicted to result in the amino acid substitution p.Glu2910Lys. To our knowledge, this variant has not been reported in the literature. This variant is reported in 0.032% of alleles in individuals of African descent in gnomAD. At this time, the clinical significance of this variant is uncertain due to the absence of conclusive functional and genetic evidence.